The following is an entry in ClinVar:

ClinVar aggregate classification (germline): Uncertain significance (1 of 4 stars; one submission).

Allele frequency attached by ClinVar (database versions not stated): TOPMed below 0.00001; gnomAD 0.00001; gnomAD exomes 0.00001.

Submission:

Labcorp Genetics (formerly Invitae), Labcorp
Classification: Uncertain significance. Last evaluated: 2022-07-12. Review status: criteria provided, single submitter. Criteria: Invitae Variant Classification Sherloc (09022015). Collection method: clinical testing. Allele origin: germline.
Comment: This variant has not been reported in the literature in individuals affected with HK1-related conditions. In summary, the available evidence is currently insufficient to determine the role of this variant in disease. Therefore, it has been classified as a Variant of Uncertain Significance. Variants that disrupt the consensus splice site are a relatively common cause of aberrant splicing (PMID: 17576681, 9536098). Algorithms developed to predict the effect of sequence changes on RNA splicing suggest that this variant may disrupt the consensus splice site. ClinVar contains an entry for this variant (Variation ID: 1388379). This variant is present in population databases (no rsID available, gnomAD 0.002%). This sequence change affects codon 613 of the HK1 mRNA. It is a 'silent' change, meaning that it does not change the encoded amino acid sequence of the HK1 protein. This variant also falls at the last nucleotide of exon 12, which is part of the consensus splice site for this exon.

Literature cited by the submitters: PubMed 17576681; PubMed 9536098.

NM_000188.3(HK1):c.1839G>A (p.Ala613=)

Gene: HK1 (hexokinase 1; plus strand). Cytogenetic location: 10q22.1.
Variant type: single nucleotide variant.
Coding change: c.1839G>A on transcript NM_000188.3 (MANE Select); coding-DNA position 1839, G replaced by A.
Protein change: p.Ala613=; no amino-acid change (alanine 613 retained).
Molecular consequence: synonymous variant.
Genome position (GRCh38, 1-based): chr10:69,384,915, G>A. VCF-style: chr10-69384915-G-A. GRCh37 (hg19) VCF-style: chr10-71144671-G-A.
Other names: c.1851G>A, p.Ala617= (NM_001322364.2, NM_001358263.1, NM_033497.3 and 1 more transcripts); c.1944G>A, p.Ala648= (NM_001322365.2); c.1755G>A, p.Ala585= (NM_001322366.1); c.1743G>A, p.Ala581= (NM_001322367.1); c.1836G>A, p.Ala612= (NM_033496.3); c.1803G>A, p.Ala601= (NM_033500.2).
Identifiers: ClinVar variation 1388379 (VCV001388379.6), dbSNP rs1218288029, ClinGen allele CA470028485.
Genomic context (GRCh38, chr10:69,384,915, plus strand): 5'-CCCCAGGATGCCTCTGGGCTTCACGTTCTCATTTCCCTGCCAGCAGACGAGTCTGGACGC[G>A]GTGAGTCTCTGTTCTTAGGGCTCAGTGATCGGGCAGCACTGAGTCCCCTGTGGCCTGGGT-3'
Protein context (NP_000179.2, residues 603-623): SFPCQQTSLD[Ala613=]GILITWTKGF